The following is an entry in ClinVar:

ClinVar aggregate classification (germline): Benign/Likely benign. Review status: criteria provided, multiple submitters, no conflicts (2 of 4 stars). 15 submissions from 15 submitters: Benign (8); Likely benign (3). 4 of the submissions do not count toward it. Last evaluated 2026-02-04.

Conditions:
Primary hyperoxaluria, type I (HP1). Also called: GLYCOLIC ACIDURIA; HEPATIC AGT DEFICIENCY; OXALOSIS I; Primary hyperoxaluria type 1. Identifiers: Orphanet 416, Orphanet 93598, MedGen C0268164, MONDO:0009823, OMIM 259900. Disease mechanism: loss of function.

Allele frequency attached by ClinVar (database versions not stated): 1000 Genomes Project 30x 0.10899; 1000 Genomes Project 0.11122; gnomAD 0.15200 and 0.15412; ExAC 0.16526; ESP Exome Variant Server 0.15916; gnomAD exomes 0.16397 and 0.19344; TOPMed 0.14257.
gnomAD v4.1: 304,945 of 1,613,084 alleles (19%); highest among the groups gnomAD compares: Non-Finnish European, 21%; 30,860 homozygotes.

Submissions (15):

Labcorp Genetics (formerly Invitae), Labcorp
Classification: Benign. Last evaluated: 2026-02-04. Review status: criteria provided, single submitter. Criteria: Invitae Variant Classification Sherloc (09022015). Collection method: clinical testing. Allele origin: germline.

Blueprint Genetics
Classification: Benign. Last evaluated: 2024-11-26. Review status: criteria provided, single submitter. Criteria: ACMG Guidelines, 2015. Collection method: clinical testing. Allele origin: germline.

Mayo Clinic Laboratories, Mayo Clinic
Classification: Benign. Last evaluated: 2022-09-23. Review status: criteria provided, single submitter. Criteria: ACMG Guidelines, 2015. Collection method: clinical testing. Allele origin: germline. Observed: 59 variant alleles.
Comment: BA1

Fulgent Genetics
Classification: Likely benign for Primary hyperoxaluria, type I. Last evaluated: 2021-11-17. Review status: criteria provided, single submitter. Criteria: ACMG Guidelines, 2015. Collection method: clinical testing. Allele origin: unknown.

Genome-Nilou Lab
Classification: Benign for Primary hyperoxaluria, type I. Last evaluated: 2021-07-10. Review status: criteria provided, single submitter. Criteria: ACMG Guidelines, 2015. Collection method: clinical testing. Allele origin: germline. Affected: no.

Mendelics
Classification: Likely benign for Primary hyperoxaluria, type I. Last evaluated: 2019-05-28. Review status: criteria provided, single submitter. Criteria: Mendelics Assertion Criteria 2017. Collection method: clinical testing. Allele origin: unknown.

GeneDx
Classification: Benign. Last evaluated: 2018-08-07. Review status: criteria provided, single submitter. Criteria: GeneDx Variant Classification Process June 2021. Collection method: clinical testing. Allele origin: germline. Affected: yes.
Comment: This variant is associated with the following publications: (PMID: 1703535, 33457257, 24205397, 30341509, 28906061, 15802217)

Illumina Laboratory Services, Illumina
Classification: Benign for Primary hyperoxaluria, type I. Last evaluated: 2018-03-06. Review status: criteria provided, single submitter. Criteria: ICSL Variant Classification Criteria 13 December 2019. Collection method: clinical testing. Allele origin: germline.
Comment: This variant was observed in the ICSL laboratory as part of a predisposition screen in an ostensibly healthy population. It had not been previously curated by ICSL or reported in the Human Gene Mutation Database (HGMD: prior to June 1st, 2018), and was therefore a candidate for classification through an automated scoring system. Utilizing variant allele frequency, disease prevalence and penetrance estimates, and inheritance mode, an automated score was calculated to assess if this variant is too frequent to cause the disease. Based on the score and internal cut-off values, a variant classified as benign is not then subjected to further curation. The score for this variant resulted in a classification of benign for this disease.

Eurofins Ntd Llc (ga)
Classification: Benign. Last evaluated: 2016-06-26. Review status: criteria provided, single submitter. Criteria: EGL Classification Definitions 2015. Collection method: clinical testing. Allele origin: germline. Observed: 1 variant allele, 1 heterozygote.

Breakthrough Genomics
Classification: Likely benign. Review status: criteria provided, single submitter. Criteria: ACMG Guidelines, 2015. Collection method: not provided. Allele origin: germline. Inheritance: Autosomal recessive inheritance. Affected: yes.

PreventionGenetics, part of Exact Sciences
Classification: Benign. Review status: criteria provided, single submitter. Criteria: ACMG Guidelines, 2015. Collection method: clinical testing. Allele origin: germline.

Natera, Inc.
Classification: Benign for Primary hyperoxaluria type I. Last evaluated: 2019-10-30. Review status: no assertion criteria provided. Collection method: clinical testing. Allele origin: germline. Not counted in ClinVar's aggregate classification.

Clinical Biochemistry Laboratory, Health Services Laboratory
Classification: Uncertain significance for Primary hyperoxaluria, type I. Last evaluated: 2014-11-27. Review status: no assertion criteria provided. Collection method: in vitro. Allele origin: germline. Affected: yes. Not counted in ClinVar's aggregate classification.

OMIM
Classification: Benign for RECLASSIFIED - AGXT POLYMORPHISM. Last evaluated: 2004-09-01. Review status: no assertion criteria provided. Collection method: literature only. Allele origin: germline. Not counted in ClinVar's aggregate classification.

GeneReviews
No classification provided. Condition: Primary hyperoxaluria, type I. Review status: no classification provided. Collection method: literature only. Allele origin: germline. Affected: yes. Not counted in ClinVar's aggregate classification.
Comment: One of the variants that defines the haplotype "minor AGXT allele"

Literature cited by the submitters: PubMed 15802217 (cited by Eurofins Ntd Llc (ga)); PubMed 1349575 (cited by Clinical Biochemistry Laboratory, Health Services Laboratory); PubMed 10960483 (cited by Clinical Biochemistry Laboratory, Health Services Laboratory and OMIM); PubMed 15464418 (cited by OMIM); NCBI Bookshelf NBK1283 (cited by GeneReviews).

NM_000030.3(AGXT):c.1020A>G (p.Ile340Met)

Gene: AGXT (alanine--glyoxylate aminotransferase; plus strand). Cytogenetic location: 2q37.3.
Variant type: single nucleotide variant.
Coding change: c.1020A>G on transcript NM_000030.3 (MANE Select); coding-DNA position 1020, A replaced by G.
Protein change: p.Ile340Met; replaces isoleucine 340 with methionine.
Molecular consequence: missense variant.
Genome position (GRCh38, 1-based): chr2:240,878,099, A>G. VCF-style: chr2-240878099-A-G. GRCh37 (hg19) VCF-style: chr2-241817516-A-G.
Other names: short protein forms I340M.
Identifiers: ClinVar variation 39486 (VCV000039486.39), dbSNP rs4426527, ClinGen allele CA343786.
Genomic context (GRCh38, chr2:240,878,099, plus strand): 5'-AGTCACCACTGTGGCTGTACCCGCTGGCTATGACTGGAGAGACATCGTCAGCTACGTCAT[A>G]GACCACTTCGACATTGAGATCATGGGTGGCCTTGGGCCCTCCACGGGGAAGGTGAGAGGG-3'
Protein context (NP_000021.1, residues 330-350): YDWRDIVSYV[Ile340Met]DHFDIEIMGG